The following is an entry in ClinVar:

ClinVar aggregate classification (germline): Uncertain significance. Review status: criteria provided, multiple submitters, no conflicts (2 of 4 stars). 4 submissions from 4 submitters: Uncertain significance (4). Last evaluated 2025-02-12.

Conditions:
Inborn genetic diseases. Identifiers: MedGen C0950123, MeSH D030342.
Familial hemophagocytic lymphohistiocytosis 3 (FHL3). Also called: UNC13D-Related Familial Hemophagocytic Lymphohistiocytosis (UNC13D-fHLH). Identifiers: Orphanet 540, MedGen C1837174, MONDO:0012146, OMIM 608898.

Allele frequency attached by ClinVar (database versions not stated): ExAC 0.00004; gnomAD 0.00006; TOPMed 0.00006.
gnomAD v4.1: 121 of 1,613,628 alleles (0.0075%); highest among the groups gnomAD compares: African/African-American, 0.011%; no homozygotes.

Submissions (4):

Ambry Genetics
Classification: Uncertain significance for Inborn genetic diseases. Last evaluated: 2025-02-12. Review status: criteria provided, single submitter. Criteria: Ambry Variant Classification Scheme 2023. Collection method: clinical testing. Allele origin: germline.

Labcorp Genetics (formerly Invitae), Labcorp
Classification: Uncertain significance for Familial hemophagocytic lymphohistiocytosis 3. Last evaluated: 2022-07-12. Review status: criteria provided, single submitter. Criteria: Invitae Variant Classification Sherloc (09022015). Collection method: clinical testing. Allele origin: germline.
Comment: This sequence change replaces arginine, which is basic and polar, with cysteine, which is neutral and slightly polar, at codon 682 of the UNC13D protein (p.Arg682Cys). This variant is present in population databases (rs755931780, gnomAD 0.02%). This variant has not been reported in the literature in individuals affected with UNC13D-related conditions. ClinVar contains an entry for this variant (Variation ID: 325257). Algorithms developed to predict the effect of missense changes on protein structure and function are either unavailable or do not agree on the potential impact of this missense change (SIFT: "Not Available"; PolyPhen-2: "Possibly Damaging"; Align-GVGD: "Not Available"). In summary, the available evidence is currently insufficient to determine the role of this variant in disease. Therefore, it has been classified as a Variant of Uncertain Significance.

Center for Genomics, Ann and Robert H. Lurie Children's Hospital of Chicago
Classification: Uncertain significance for Familial hemophagocytic lymphohistiocytosis 3. Last evaluated: 2021-06-30. Review status: criteria provided, single submitter. Criteria: ACMG Guidelines, 2015. Collection method: clinical testing. Allele origin: germline.
Comment: UNC13D NM_199242.2 exon 22 p.Arg682Cys (c.2044C>T):This variant has not been reported in the literature but is present in 0.01% (2/15282) of Latino alleles in the Genome Aggregation Database. This variant is present in ClinVar (Variation ID:325257). Evolutionary conservation suggests that this variant may not impact the protein; computational predictive tools for this variant are unclear. In summary, data on this variant is insufficient for disease classification. Therefore, the clinical significance of this variant is uncertain.

Illumina Laboratory Services, Illumina
Classification: Uncertain significance for Familial hemophagocytic lymphohistiocytosis 3. Last evaluated: 2018-01-12. Review status: criteria provided, single submitter. Criteria: ICSL Variant Classification Criteria 13 December 2019. Collection method: clinical testing. Allele origin: germline.

NM_199242.3(UNC13D):c.2044C>T (p.Arg682Cys)

Gene: UNC13D (unc-13 homolog D; minus strand). Cytogenetic location: 17q25.1.
Variant type: single nucleotide variant.
Coding change: c.2044C>T on transcript NM_199242.3 (MANE Select); coding-DNA position 2044, C replaced by T.
Protein change: p.Arg682Cys; replaces arginine 682 with cysteine.
Molecular consequence: missense variant.
Genome position (GRCh38, 1-based): chr17:75,834,665, G>A on the plus strand (C>T on the coding strand, the complement: UNC13D is on the minus strand). VCF-style: chr17-75834665-G-A. GRCh37 (hg19) VCF-style: chr17-73830746-G-A.
Other names: short protein forms R682C.
Identifiers: ClinVar variation 325257 (VCV000325257.10), dbSNP rs755931780, ClinGen allele CA8772690.